The following is an entry in ClinVar:

ClinVar aggregate classification (germline): Uncertain significance (1 of 4 stars; one submission).

Submission:

Labcorp Genetics (formerly Invitae), Labcorp
Classification: Uncertain significance. Last evaluated: 2025-10-23. Review status: criteria provided, single submitter. Criteria: Invitae Variant Classification Sherloc (09022015). Collection method: clinical testing. Allele origin: germline.
Comment: This sequence change replaces tyrosine, which is neutral and polar, with cysteine, which is neutral and slightly polar, at codon 477 of the IKZF1 protein (p.Tyr477Cys). This variant is not present in population databases (gnomAD no frequency). This variant has not been reported in the literature in individuals affected with IKZF1-related conditions. An algorithm developed to predict the effect of missense changes on protein structure and function (PolyPhen-2) suggests that this variant is likely to be disruptive. In summary, the available evidence is currently insufficient to determine the role of this variant in disease. Therefore, it has been classified as a Variant of Uncertain Significance.

NM_006060.6(IKZF1):c.1430A>G (p.Tyr477Cys)

Gene: IKZF1 (IKAROS family zinc finger 1; plus strand). Cytogenetic location: 7p12.2.
Variant type: single nucleotide variant.
Coding change: c.1430A>G on transcript NM_006060.6 (MANE Select); coding-DNA position 1430, A replaced by G.
Protein change: p.Tyr477Cys; replaces tyrosine 477 with cysteine.
Molecular consequence: missense variant.
Genome position (GRCh38, 1-based): chr7:50,400,497, A>G. VCF-style: chr7-50400497-A-G. GRCh37 (hg19) VCF-style: chr7-50468195-A-G.
Other names: c.1304A>G, p.Tyr435Cys (NM_001220765.3, NM_001291837.2); c.1139A>G, p.Tyr380Cys (NM_001220767.2); c.1169A>G, p.Tyr390Cys (NM_001220768.2, NM_001291838.2); c.1013A>G, p.Tyr338Cys (NM_001220770.2); c.1001A>G, p.Tyr334Cys (NM_001220771.2, NM_001291841.1); c.1043A>G, p.Tyr348Cys (NM_001291839.2); c.740A>G, p.Tyr247Cys (NM_001291840.1); c.971A>G, p.Tyr324Cys (NM_001291842.1); and 3 more; short protein forms Y338C, Y348C, Y292C, Y324C, Y477C, Y497C, Y334C, Y380C.
Identifiers: ClinVar variation 4728922 (VCV004728922.1).